The following is an entry in ClinVar:

ClinVar aggregate classification (germline): Uncertain significance. Review status: criteria provided, multiple submitters, no conflicts (2 of 4 stars). 3 submissions from 3 submitters: Uncertain significance (3). Last evaluated 2025-08-18.

Conditions:
Inborn genetic diseases. Identifiers: MedGen C0950123, MeSH D030342.
Anophthalmia-microphthalmia syndrome. Also called: Anophthalmia/Microphthalmia; Anophthalmia - microphthalmia. Identifiers: Orphanet 98555, MedGen C5680330, MONDO:0020147.

Allele frequency attached by ClinVar (database versions not stated): ExAC 0.00001; gnomAD exomes 0.00001 and 0.00004; TOPMed 0.00007; gnomAD 0.00009; ESP Exome Variant Server 0.00015.
gnomAD v4.1: 35 of 1,614,202 alleles (0.0022%); highest among the groups gnomAD compares: African/African-American, 0.031%; no homozygotes.

Submissions (3):

Women's Health and Genetics/Laboratory Corporation of America, LabCorp
Classification: Uncertain significance. Last evaluated: 2025-08-18. Review status: criteria provided, single submitter. Criteria: LabCorp Variant Classification Summary - May 2015. Collection method: clinical testing. Allele origin: germline.
Comment: Variant summary: OTX2 c.163G>T (p.Ala55Ser) results in a conservative amino acid change located in the Homeodomain (IPR001356) of the encoded protein sequence. Algorithms developed to predict the effect of missense changes on protein structure and function are either unavailable or do not agree on the potential impact of this missense change. The variant allele was found at a frequency of 4e-05 in 251400 control chromosomes. This frequency is not significantly higher than estimated for a pathogenic variant in OTX2 causing OTX2-Related Disorders, allowing no conclusion about variant significance. c.163G>T has been observed in individual(s) affected with normosmic Congenital Hypogonadotropic Hypogonadism without strong evidence of causality (Amato_2019). These report(s) do not provide unequivocal conclusions about association of the variant with OTX2-Related Disorders. To our knowledge, no experimental evidence demonstrating an impact on protein function has been reported. The following publication have been ascertained in the context of this evaluation (PMID: 31200363). ClinVar contains an entry for this variant (Variation ID: 942145). Based on the evidence outlined above, the variant was classified as uncertain significance.

Labcorp Genetics (formerly Invitae), Labcorp
Classification: Uncertain significance for Anophthalmia-microphthalmia syndrome. Last evaluated: 2024-08-15. Review status: criteria provided, single submitter. Criteria: Invitae Variant Classification Sherloc (09022015). Collection method: clinical testing. Allele origin: germline.
Comment: This sequence change replaces alanine, which is neutral and non-polar, with serine, which is neutral and polar, at codon 55 of the OTX2 protein (p.Ala55Ser). This variant is present in population databases (rs368759331, gnomAD 0.03%). This variant has not been reported in the literature in individuals affected with OTX2-related conditions. ClinVar contains an entry for this variant (Variation ID: 942145). An algorithm developed to predict the effect of missense changes on protein structure and function (PolyPhen-2) suggests that this variant is likely to be tolerated. In summary, the available evidence is currently insufficient to determine the role of this variant in disease. Therefore, it has been classified as a Variant of Uncertain Significance.

Ambry Genetics
Classification: Uncertain significance for Inborn genetic diseases. Last evaluated: 2021-08-19. Review status: criteria provided, single submitter. Criteria: Ambry Variant Classification Scheme 2023. Collection method: clinical testing. Allele origin: germline.

Literature cited by the submitters: PubMed 31200363 (cited by Women's Health and Genetics/Laboratory Corporation of America, LabCorp).

NM_021728.4(OTX2):c.187G>T (p.Ala63Ser)

Gene: OTX2 (orthodenticle homeobox 2; minus strand). Cytogenetic location: 14q22.3.
Variant type: single nucleotide variant.
Coding change: c.187G>T on transcript NM_021728.4 (MANE Select); coding-DNA position 187, G replaced by T.
Protein change: p.Ala63Ser; replaces alanine 63 with serine.
Molecular consequence: missense variant.
Genome position (GRCh38, 1-based): chr14:56,804,274, C>A on the plus strand (G>T on the coding strand, the complement: OTX2 is on the minus strand). VCF-style: chr14-56804274-C-A. GRCh37 (hg19) VCF-style: chr14-57270992-C-A.
Other names: c.163G>T (NM_172337.1); c.163G>T, p.Ala55Ser (NM_001270523.2, NM_001270524.2, NM_172337.3); c.187G>T, p.Ala63Ser (NM_001270525.2); short protein forms A55S, A63S.
Identifiers: ClinVar variation 942145 (VCV000942145.13), dbSNP rs368759331, ClinGen allele CA7200542.